The following is an entry in ClinVar:

ClinVar aggregate classification (germline): Uncertain significance. Review status: criteria provided, multiple submitters, no conflicts (2 of 4 stars). 3 submissions from 3 submitters: Uncertain significance (3). Last evaluated 2023-03-05.

Conditions:
Inborn genetic diseases. Identifiers: MedGen C0950123, MeSH D030342.
Neuronopathy, distal hereditary motor, autosomal recessive 5. Also called: Spinal muscular atrophy, distal, autosomal recessive, 5; NEUROPATHY, DISTAL HEREDITARY MOTOR, AUTOSOMAL RECESSIVE 5; Young adult-onset distal hereditary motor neuropathy. Identifiers: Orphanet 314485, Orphanet 443950, MedGen C4749918, MONDO:0013947, OMIM 614881.

Allele frequency attached by ClinVar (database versions not stated): gnomAD 0.00002; TOPMed 0.00002.

Submissions (3):

GeneDx
Classification: Uncertain significance. Last evaluated: 2023-03-05. Review status: criteria provided, single submitter. Criteria: GeneDx Variant Classification Process June 2021. Collection method: clinical testing. Allele origin: germline. Affected: yes.
Comment: Not observed at significant frequency in large population cohorts (gnomAD); In silico analysis supports that this missense variant does not alter protein structure/function; Has not been previously published as pathogenic or benign to our knowledge

Ambry Genetics
Classification: Uncertain significance for Inborn genetic diseases. Last evaluated: 2022-05-11. Review status: criteria provided, single submitter. Criteria: Ambry Variant Classification Scheme 2023. Collection method: clinical testing. Allele origin: germline.

Labcorp Genetics (formerly Invitae), Labcorp
Classification: Uncertain significance for Neuronopathy, distal hereditary motor, autosomal recessive 5. Last evaluated: 2021-08-30. Review status: criteria provided, single submitter. Criteria: Invitae Variant Classification Sherloc (09022015). Collection method: clinical testing. Allele origin: germline.
Comment: This sequence change replaces serine with cysteine at codon 152 of the DNAJB2 protein (p.Ser152Cys). The serine residue is highly conserved and there is a moderate physicochemical difference between serine and cysteine. This variant is present in population databases (rs777721164, ExAC 0.002%). This variant has not been reported in the literature in individuals affected with DNAJB2-related conditions. Algorithms developed to predict the effect of missense changes on protein structure and function are either unavailable or do not agree on the potential impact of this missense change (SIFT: "Tolerated"; PolyPhen-2: "Possibly Damaging"; Align-GVGD: "Class C15"). In summary, the available evidence is currently insufficient to determine the role of this variant in disease. Therefore, it has been classified as a Variant of Uncertain Significance.

NM_006736.6(DNAJB2):c.455C>G (p.Ser152Cys)

Gene: DNAJB2 (DnaJ heat shock protein family (Hsp40) member B2; plus strand). Cytogenetic location: 2q35.
Variant type: single nucleotide variant.
Coding change: c.455C>G on transcript NM_006736.6 (MANE Select); coding-DNA position 455, C replaced by G.
Protein change: p.Ser152Cys; replaces serine 152 with cysteine.
Molecular consequence: missense variant.
Genome position (GRCh38, 1-based): chr2:219,283,142, C>G. VCF-style: chr2-219283142-C-G. GRCh37 (hg19) VCF-style: chr2-220147864-C-G.
Other names: c.455C>G, p.Ser152Cys (NM_001039550.2); c.455C>G (NM_001039550.1); short protein forms S152C.
Identifiers: ClinVar variation 1491622 (VCV001491622.7), dbSNP rs777721164, ClinGen allele CA2123004.